The following is an entry in ClinVar:

ClinVar aggregate classification (germline): Uncertain significance. Review status: criteria provided, multiple submitters, no conflicts (2 of 4 stars). 10 submissions from 10 submitters: Uncertain significance (9). 1 of the submissions does not count toward it. Last evaluated 2025-08-23.

Conditions:
POLD1-related disorder. Also called: POLD1-related disorders; POLD1-related condition.
POLD1-related polyposis and colorectal cancer syndrome (CRCS10). Also called: Colorectal cancer 10; COLORECTAL CANCER, SUSCEPTIBILITY TO, ON CHROMOSOME 19q; Colorectal cancer, susceptibility to, 10. Identifiers: Orphanet 220460, MedGen C2675481, MONDO:0012953, OMIM 612591.
Hereditary cancer-predisposing syndrome. Also called: Tumor predisposition; Hereditary Cancer Syndrome; Hereditary neoplastic syndrome; Neoplastic Syndromes, Hereditary. Identifiers: Orphanet 140162, MedGen C0027672, MeSH D009386, MONDO:0015356.

Allele frequency attached by ClinVar (database versions not stated): gnomAD exomes below 0.00001; ExAC 0.00001.
gnomAD v4.1: 4 of 1,611,928 alleles (0.00025%); highest among the groups gnomAD compares: Admixed American, 0.0017%; no homozygotes.

Submissions (10):

Ambry Genetics
Classification: Uncertain significance for Hereditary cancer-predisposing syndrome. Last evaluated: 2025-08-23. Review status: criteria provided, single submitter. Criteria: Ambry Variant Classification Scheme 2023. Collection method: clinical testing. Allele origin: germline.
Comment: The p.R409W variant (also known as c.1225C>T), located in coding exon 9 of the POLD1 gene, results from a C to T substitution at nucleotide position 1225. The arginine at codon 409 is replaced by tryptophan, an amino acid with dissimilar properties. This amino acid position is highly conserved in available vertebrate species. In addition, this alteration is predicted to be deleterious by in silico analysis. Since supporting evidence is limited at this time, the clinical significance of this alteration remains unclear.

PreventionGenetics, part of Exact Sciences
Classification: Uncertain significance for POLD1-related condition. Last evaluated: 2025-05-05. Review status: criteria provided, single submitter. Criteria: ACMG Guidelines, 2015. Collection method: clinical testing. Allele origin: germline.
Comment: The POLD1 c.1225C>T variant is predicted to result in the amino acid substitution p.Arg409Trp. This variant has been identified in an individual with a personal and family history of colorectal cancer (Bellido et al. 2016. PubMed ID: 26133394). This variant is reported in 0.0029% of alleles in individuals of Latino descent in gnomAD and has been reported in ClinVar as a variant of uncertain significance. At this time, the clinical significance of this variant is uncertain due to the absence of conclusive functional and genetic evidence.

Labcorp Genetics (formerly Invitae), Labcorp
Classification: Uncertain significance for POLD1-related polyposis and colorectal cancer syndrome. Last evaluated: 2025-01-21. Review status: criteria provided, single submitter. Criteria: Invitae Variant Classification Sherloc (09022015). Collection method: clinical testing. Allele origin: germline.
Comment: This sequence change replaces arginine, which is basic and polar, with tryptophan, which is neutral and slightly polar, at codon 409 of the POLD1 protein (p.Arg409Trp). This variant is present in population databases (rs778135510, gnomAD 0.003%). This missense change has been observed in individual(s) with early onset colorectal cancer and polyposis (PMID: 26133394). ClinVar contains an entry for this variant (Variation ID: 486071). Invitae Evidence Modeling of protein sequence and biophysical properties (such as structural, functional, and spatial information, amino acid conservation, physicochemical variation, residue mobility, and thermodynamic stability) indicates that this missense variant is expected to disrupt POLD1 protein function with a positive predictive value of 80%. In summary, the available evidence is currently insufficient to determine the role of this variant in disease. Therefore, it has been classified as a Variant of Uncertain Significance.

Blueprint Genetics
Classification: Uncertain significance. Last evaluated: 2024-11-14. Review status: criteria provided, single submitter. Criteria: ACMG Guidelines, 2015. Collection method: clinical testing. Allele origin: germline.

Catlab - Consorci Sanitari de Terrassa
Classification: Uncertain significance for Hereditary cancer-predisposing syndrome. Last evaluated: 2024-11-13. Review status: criteria provided, single submitter. Criteria: Submitter's publication. Collection method: clinical testing. Allele origin: germline.
Comment: Based on the currently available information, this variant is classified as Variant of Uncertain Significance according to published recommendations (PMID: 37848928). ACMG criteria: PM2 supp.

Molecular Diagnostics Laboratory, Catalan Institute of Oncology
Classification: Uncertain significance for Hereditary cancer-predisposing syndrome. Last evaluated: 2024-09-02. Review status: criteria provided, single submitter. Criteria: Submitter's publication. Collection method: clinical testing. Allele origin: germline.
Comment: PM2_supporting c.1225C>T, located in exon 10 of the POLD1 gene, is predicted to result in the substitution of Arginine by Tryptophan at codon 409, p.(Arg409Trp). This variant is found in 1/236874 alleles at a frequency of 0.0004% in the gnomAD v2.1.1 database, non-cancer dataset (PM2_supporting). The SpliceAI algorithm predicts no significant impact on splicing and the REVEL meta-predictor score (0.44) for this variant is indeterminate regarding the effect that it may have on protein function according Pejaver 2022 thresholds (PMID: 36413997). To our knowledge, well-stablished functional studies have not been reported for this variant. It has been identified in individuals affected with colorectal cancer (internal data, Bellido 2016). Based on currently available information, c.1225C>T is classified as an uncertain significance variant according to POLD1 guidelines. Comments: variant reclassificada per IMPaCT.

Baylor Genetics
Classification: Uncertain significance for POLD1-related polyposis and colorectal cancer syndrome. Last evaluated: 2023-09-06. Review status: criteria provided, single submitter. Criteria: ACMG Guidelines, 2015. Collection method: clinical testing. Allele origin: unknown.

Myriad Genetics, Inc.
Classification: Uncertain significance for POLD1-related polyposis and colorectal cancer syndrome. Last evaluated: 2023-04-19. Review status: criteria provided, single submitter. Criteria: Myriad Autosomal Dominant, Autosomal Recessive and X-Linked Classification Criteria (2023). Collection method: clinical testing. Allele origin: unknown.
Comment: This variant is classified as a variant of uncertain significance as there is insufficient evidence to determine its impact on protein function and/or cancer risk.

GeneDx
Classification: Uncertain significance. Last evaluated: 2022-12-14. Review status: criteria provided, single submitter. Criteria: GeneDx Variant Classification Process June 2021. Collection method: clinical testing. Allele origin: germline. Affected: yes.
Comment: Not observed at significant frequency in large population cohorts (gnomAD); In silico analysis supports that this missense variant has a deleterious effect on protein structure/function; Identified in patients with colorectal cancer and/or polyps (Bellido et al., 2016; Georgeson et al., 2022); This variant is associated with the following publications: (PMID: 20951805, 35668106, 34897210, 26133394)

Counsyl
Classification: Uncertain significance for POLD1-related polyposis and colorectal cancer syndrome. Last evaluated: 2017-07-12. Review status: no assertion criteria provided. Collection method: clinical testing. Allele origin: unknown. Not counted in ClinVar's aggregate classification.

Literature cited by the submitters: PubMed 26133394 (cited by 3 submitters).

NM_002691.4(POLD1):c.1225C>T (p.Arg409Trp)

Gene: POLD1 (DNA polymerase delta 1, catalytic subunit; plus strand). Cytogenetic location: 19q13.33.
Variant type: single nucleotide variant.
Coding change: c.1225C>T on transcript NM_002691.4 (MANE Select); coding-DNA position 1225, C replaced by T.
Protein change: p.Arg409Trp; replaces arginine 409 with tryptophan.
Molecular consequence: missense variant. On other transcripts: non-coding transcript variant (1).
Genome position (GRCh38, 1-based): chr19:50,403,580, C>T. VCF-style: chr19-50403580-C-T. GRCh37 (hg19) VCF-style: chr19-50906837-C-T.
Other names: c.1225C>T, p.Arg409Trp (NM_001256849.1, NM_001308632.1); short protein forms R409W.
Identifiers: ClinVar variation 486071 (VCV000486071.22), dbSNP rs778135510, ClinGen allele CA9596064.